The following is an entry in ClinVar:

ClinVar aggregate classification (germline): Benign (0 of 4 stars; one submission).

Conditions:
GON4L-related disorder. Also called: GON4L-related condition.

Allele frequency attached by ClinVar (database versions not stated): gnomAD 0.00607; 1000 Genomes Project 30x 0.00656; gnomAD exomes 0.00068; ExAC 0.00190; 1000 Genomes Project 0.00579; ESP Exome Variant Server 0.00700; TOPMed 0.00738.
gnomAD v4.1: 1,972 of 1,614,144 alleles (0.12%); highest among the groups gnomAD compares: African/African-American, 2.2%; 11 homozygotes.

Submission:

PreventionGenetics, part of Exact Sciences
Classification: Benign for GON4L-related condition. Last evaluated: 2019-03-07. Review status: no assertion criteria provided. Collection method: clinical testing. Allele origin: germline.
Comment: This variant is classified as benign based on ACMG/AMP sequence variant interpretation guidelines (Richards et al. 2015 PMID: 25741868, with internal and published modifications).

NM_001282860.2(GON4L):c.3474C>T (p.Gly1158=)

Gene: GON4L (gon-4 like; minus strand). Cytogenetic location: 1q22.
Variant type: single nucleotide variant.
Coding change: c.3474C>T on transcript NM_001282860.2 (MANE Select); coding-DNA position 3474, C replaced by T.
Protein change: p.Gly1158=; no amino-acid change (glycine 1158 retained).
Molecular consequence: synonymous variant.
Genome position (GRCh38, 1-based): chr1:155,765,999, G>A on the plus strand (C>T on the coding strand, the complement: GON4L is on the minus strand). VCF-style: chr1-155765999-G-A. GRCh37 (hg19) VCF-style: chr1-155735790-G-A.
Other names: c.3474C>T, p.Gly1158= (NM_001282856.2, NM_001282858.2, NM_001282861.2 and 1 more transcripts).
Identifiers: ClinVar variation 3053873 (VCV003053873.2), dbSNP rs150057388, ClinGen allele CA1150605.